The following is an entry in ClinVar:

NM_001044385.3(TMEM237):c.902G>A (p.Arg301Gln)

Gene: TMEM237 (transmembrane protein 237; minus strand). Cytogenetic location: 2q33.1.
Variant type: single nucleotide variant.
Coding change: c.902G>A on transcript NM_001044385.3 (MANE Select); coding-DNA position 902, G replaced by A.
Protein change: p.Arg301Gln; replaces arginine 301 with glutamine.
Molecular consequence: missense variant.
Genome position (GRCh38, 1-based): chr2:201,628,117, C>T on the plus strand (G>A on the coding strand, the complement: TMEM237 is on the minus strand). VCF-style: chr2-201628117-C-T. GRCh37 (hg19) VCF-style: chr2-202492840-C-T.
Other names: c.878G>A, p.Arg293Gln (NM_152388.4); short protein forms R293Q, R301Q.
Identifiers: ClinVar variation 1051117 (VCV001051117.10), dbSNP rs745540263, ClinGen allele CA2056356.

ClinVar aggregate classification (germline): Uncertain significance. Review status: criteria provided, multiple submitters, no conflicts (2 of 4 stars). 2 submissions from 2 submitters: Uncertain significance (2). Last evaluated 2024-05-09.

Conditions:
Joubert syndrome 14 (JBTS14). Identifiers: MedGen C3280766, MONDO:0013745, OMIM 614424.

Allele frequency attached by ClinVar (database versions not stated): gnomAD 0.00001; gnomAD exomes 0.00001; TOPMed 0.00001; ExAC 0.00003.

Submissions (2):

Fulgent Genetics
Classification: Uncertain significance for Joubert syndrome 14. Last evaluated: 2024-05-09. Review status: criteria provided, single submitter. Criteria: ACMG Guidelines, 2015. Collection method: clinical testing. Allele origin: germline.

Labcorp Genetics (formerly Invitae), Labcorp
Classification: Uncertain significance for Joubert syndrome 14. Last evaluated: 2022-11-01. Review status: criteria provided, single submitter. Criteria: Invitae Variant Classification Sherloc (09022015). Collection method: clinical testing. Allele origin: germline.
Comment: ClinVar contains an entry for this variant (Variation ID: 1051117). This variant has not been reported in the literature in individuals affected with TMEM237-related conditions. Advanced modeling of protein sequence and biophysical properties (such as structural, functional, and spatial information, amino acid conservation, physicochemical variation, residue mobility, and thermodynamic stability) performed at Invitae indicates that this missense variant is not expected to disrupt TMEM237 protein function. In summary, the available evidence is currently insufficient to determine the role of this variant in disease. Therefore, it has been classified as a Variant of Uncertain Significance. The frequency data for this variant in the population databases is considered unreliable, as metrics indicate poor data quality at this position in the gnomAD database. This sequence change replaces arginine, which is basic and polar, with glutamine, which is neutral and polar, at codon 301 of the TMEM237 protein (p.Arg301Gln).